The following is an entry in ClinVar:

ClinVar aggregate classification (germline): Uncertain significance (1 of 4 stars; one submission).

Allele frequency attached by ClinVar (database versions not stated): gnomAD exomes below 0.00001.
gnomAD v4.1: 1 of 1,613,766 alleles (0.000062%); highest among the groups gnomAD compares: South Asian, 0.0011%; no homozygotes.

Submission:

Labcorp Genetics (formerly Invitae), Labcorp
Classification: Uncertain significance. Last evaluated: 2024-02-15. Review status: criteria provided, single submitter. Criteria: Invitae Variant Classification Sherloc (09022015). Collection method: clinical testing. Allele origin: germline.
Comment: This sequence change affects codon 650 of the SLC20A2 mRNA. It is a 'silent' change, meaning that it does not change the encoded amino acid sequence of the SLC20A2 protein. This variant is not present in population databases (gnomAD no frequency). This variant has not been reported in the literature in individuals affected with SLC20A2-related conditions. Algorithms developed to predict the effect of sequence changes on RNA splicing suggest that this variant may create or strengthen a splice site. In summary, the available evidence is currently insufficient to determine the role of this variant in disease. Therefore, it has been classified as a Variant of Uncertain Significance.

NM_001257180.2(SLC20A2):c.1950A>G (p.Pro650=)

Gene: SLC20A2 (solute carrier family 20 member 2; minus strand). Cytogenetic location: 8p11.21.
Variant type: single nucleotide variant.
Coding change: c.1950A>G on transcript NM_001257180.2 (MANE Select); coding-DNA position 1950, A replaced by G.
Protein change: p.Pro650=; no amino-acid change (proline 650 retained).
Molecular consequence: synonymous variant.
Genome position (GRCh38, 1-based): chr8:42,417,812, T>C on the plus strand (A>G on the coding strand, the complement: SLC20A2 is on the minus strand). VCF-style: chr8-42417812-T-C. GRCh37 (hg19) VCF-style: chr8-42275330-T-C.
Other names: c.1950A>G, p.Pro650= (NM_001257181.2, NM_006749.5).
Identifiers: ClinVar variation 2989605 (VCV002989605.3), dbSNP rs2130904839, ClinGen allele CA460561081.